The following is an entry in ClinVar:

ClinVar aggregate classification (germline): Uncertain significance. Review status: criteria provided, multiple submitters, no conflicts (2 of 4 stars). 2 submissions from 2 submitters: Uncertain significance (2). Last evaluated 2025-09-10.

Conditions:
Fatty acyl-CoA reductase 1 deficiency. Also called: Peroxisomal fatty acyl-coa reductase 1 disorder. Identifiers: Orphanet 438178, MedGen C4015344, MONDO:0014510, OMIM 616154.

Allele frequency attached by ClinVar (database versions not stated): gnomAD 0.00001; gnomAD exomes 0.00001 and 0.00002; TOPMed 0.00003; 1000 Genomes Project 30x 0.00016; 1000 Genomes Project 0.00020.
gnomAD v4.1: 12 of 1,613,546 alleles (0.00074%); highest among the groups gnomAD compares: Admixed American, 0.0033%; no homozygotes.

Submissions (2):

Labcorp Genetics (formerly Invitae), Labcorp
Classification: Uncertain significance. Last evaluated: 2025-09-10. Review status: criteria provided, single submitter. Criteria: Invitae Variant Classification Sherloc (09022015). Collection method: clinical testing. Allele origin: germline.
Comment: This sequence change replaces asparagine, which is neutral and polar, with serine, which is neutral and polar, at codon 339 of the FAR1 protein (p.Asn339Ser). This variant is present in population databases (rs545894851, gnomAD 0.009%). This variant has not been reported in the literature in individuals affected with FAR1-related conditions. ClinVar contains an entry for this variant (Variation ID: 973461). Invitae Evidence Modeling of protein sequence and biophysical properties (such as structural, functional, and spatial information, amino acid conservation, physicochemical variation, residue mobility, and thermodynamic stability) indicates that this missense variant is not expected to disrupt FAR1 protein function with a negative predictive value of 80%. In summary, the available evidence is currently insufficient to determine the role of this variant in disease. Therefore, it has been classified as a Variant of Uncertain Significance.

Elsea Laboratory, Baylor College of Medicine
Classification: Uncertain significance for Fatty acyl-CoA reductase 1 deficiency. Last evaluated: 2020-04-01. Review status: criteria provided, single submitter. Criteria: ACMG Guidelines, 2015. Collection method: clinical testing. Allele origin: germline. Affected: no.

NM_032228.6(FAR1):c.1016A>G (p.Asn339Ser)

Gene: FAR1 (fatty acyl-CoA reductase 1; plus strand). Cytogenetic location: 11p15.3.
Variant type: single nucleotide variant.
Coding change: c.1016A>G on transcript NM_032228.6 (MANE Select); coding-DNA position 1016, A replaced by G.
Protein change: p.Asn339Ser; replaces asparagine 339 with serine.
Molecular consequence: missense variant.
Genome position (GRCh38, 1-based): chr11:13,714,569, A>G. VCF-style: chr11-13714569-A-G. GRCh37 (hg19) VCF-style: chr11-13736116-A-G.
Other names: short protein forms N339S.
Identifiers: ClinVar variation 973461 (VCV000973461.10), dbSNP rs545894851, ClinGen allele CA218131063.